The following is an entry in ClinVar:

ClinVar aggregate classification (germline): Likely benign. Review status: criteria provided, multiple submitters, no conflicts (2 of 4 stars). 4 submissions from 4 submitters: Likely benign (4). Last evaluated 2024-08-21.

Conditions:
Hereditary cancer-predisposing syndrome. Also called: Hereditary Cancer Syndrome; Hereditary neoplastic syndrome; Neoplastic Syndromes, Hereditary; Tumor predisposition. Identifiers: Orphanet 140162, MedGen C0027672, MeSH D009386, MONDO:0015356.
Familial cancer of breast. Also called: hereditary breast carcinoma; BREAST CANCER, FAMILIAL; Hereditary breast cancer. Identifiers: Orphanet 227535, MedGen C0346153, MONDO:0016419, OMIM 114480. Disease mechanism: loss of function.
Ataxia-telangiectasia syndrome (AT). Also called: Ataxia-telangiectasia, complementation group E; LOUIS-BAR SYNDROME; Cerebello-oculocutaneous telangiectasia; Immunodeficiency with ataxia telangiectasia; Ataxia-telangiectasia, complementation group D; AT, COMPLEMENTATION GROUP C. Identifiers: Orphanet 100, MedGen C0004135, MONDO:0008840, OMIM 208900.

Submissions (4):

Labcorp Genetics (formerly Invitae), Labcorp
Classification: Likely benign for Ataxia-telangiectasia syndrome. Last evaluated: 2024-08-21. Review status: criteria provided, single submitter. Criteria: Invitae Variant Classification Sherloc (09022015). Collection method: clinical testing. Allele origin: germline.

Myriad Genetics, Inc.
Classification: Likely benign for Familial cancer of breast. Last evaluated: 2024-05-22. Review status: criteria provided, single submitter. Criteria: Myriad Autosomal Dominant, Autosomal Recessive and X-Linked Classification Criteria (2023). Collection method: clinical testing. Allele origin: unknown.
Comment: This variant is considered likely benign. This variant is intronic and is not expected to impact mRNA splicing.

Department of Pathology and Laboratory Medicine, Sinai Health System
Classification: Likely benign for Familial cancer of breast; Ataxia-telangiectasia syndrome. Last evaluated: 2021-07-13. Review status: criteria provided, single submitter. Criteria: ACMG Guidelines, 2015. Collection method: clinical testing. Allele origin: germline. Affected: no.

Color Diagnostics, LLC DBA Color Health
Classification: Likely benign for Hereditary cancer-predisposing syndrome. Last evaluated: 2019-11-19. Review status: criteria provided, single submitter. Criteria: ACMG Guidelines, 2015. Collection method: clinical testing. Allele origin: germline.

NM_000051.4(ATM):c.5006-10C>T

Gene: ATM (ATM serine/threonine kinase; plus strand). Cytogenetic location: 11q22.3.
Variant type: single nucleotide variant.
Coding change: c.5006-10C>T on transcript NM_000051.4 (MANE Select); 10 bases into the intron before coding-DNA position 5006, C replaced by T.
Molecular consequence: intron variant.
Genome position (GRCh38, 1-based): chr11:108,299,704, C>T. VCF-style: chr11-108299704-C-T. GRCh37 (hg19) VCF-style: chr11-108170431-C-T.
Other names: c.5006-10C>T (NM_001351834.2).
Identifiers: ClinVar variation 918302 (VCV000918302.13), dbSNP rs2083315555, ClinGen allele CA1139662311.